The following is an entry in ClinVar:

NM_031935.3(HMCN1):c.8861A>T (p.Lys2954Ile)

Gene: HMCN1 (hemicentin 1; plus strand). Cytogenetic location: 1q31.1.
Variant type: single nucleotide variant.
Coding change: c.8861A>T on transcript NM_031935.3 (MANE Select); coding-DNA position 8861, A replaced by T.
Protein change: p.Lys2954Ile; replaces lysine 2954 with isoleucine.
Molecular consequence: missense variant.
Genome position (GRCh38, 1-based): chr1:186,082,938, A>T. VCF-style: chr1-186082938-A-T. GRCh37 (hg19) VCF-style: chr1-186052070-A-T.
Other names: short protein forms K2954I.
Identifiers: ClinVar variation 3678474 (VCV003678474.2).

ClinVar aggregate classification (germline): Uncertain significance (1 of 4 stars; one submission).

Submission:

Labcorp Genetics (formerly Invitae), Labcorp
Classification: Uncertain significance. Last evaluated: 2024-10-16. Review status: criteria provided, single submitter. Criteria: Invitae Variant Classification Sherloc (09022015). Collection method: clinical testing. Allele origin: germline.
Comment: This sequence change replaces lysine, which is basic and polar, with isoleucine, which is neutral and non-polar, at codon 2954 of the HMCN1 protein (p.Lys2954Ile). This variant is not present in population databases (gnomAD no frequency). This variant has not been reported in the literature in individuals affected with HMCN1-related conditions. An algorithm developed to predict the effect of missense changes on protein structure and function (PolyPhen-2) suggests that this variant is likely to be disruptive. In summary, the available evidence is currently insufficient to determine the role of this variant in disease. Therefore, it has been classified as a Variant of Uncertain Significance.